The following is an entry in ClinVar:

NM_002617.4(PEX10):c.271C>A (p.Arg91Ser)

Gene: PEX10 (peroxisomal biogenesis factor 10; minus strand). Cytogenetic location: 1p36.32.
Variant type: single nucleotide variant.
Coding change: c.271C>A on transcript NM_002617.4 (MANE Select); coding-DNA position 271, C replaced by A.
Protein change: p.Arg91Ser; replaces arginine 91 with serine.
Molecular consequence: missense variant. On other transcripts: 5 prime UTR variant (2), non-coding transcript variant (1).
Genome position (GRCh38, 1-based): chr1:2,408,781, G>T on the plus strand (C>A on the coding strand, the complement: PEX10 is on the minus strand). VCF-style: chr1-2408781-G-T. GRCh37 (hg19) VCF-style: chr1-2340220-G-T.
Other names: c.271C>A, p.Arg91Ser (NM_001374425.1, NM_153818.2); c.-162C>A (NM_001374426.1, NM_001374427.1); short protein forms R91S.
Identifiers: ClinVar variation 1376704 (VCV001376704.8), dbSNP rs747921371, ClinGen allele CA337988844.

ClinVar aggregate classification (germline): Uncertain significance (1 of 4 stars; one submission).

Conditions:
Peroxisome biogenesis disorder, complementation group 7 (CG7). Also called: Peroxisome biogenesis disorder, complementation group B. Identifiers: MedGen C1864399.

Submission:

Labcorp Genetics (formerly Invitae), Labcorp
Classification: Uncertain significance for Peroxisome biogenesis disorder, complementation group 7. Last evaluated: 2021-01-04. Review status: criteria provided, single submitter. Criteria: Invitae Variant Classification Sherloc (09022015). Collection method: clinical testing. Allele origin: germline.
Comment: Algorithms developed to predict the effect of missense changes on protein structure and function are either unavailable or do not agree on the potential impact of this missense change (SIFT: "Tolerated"; PolyPhen-2: "Probably Damaging"; Align-GVGD: "Class C0"). In summary, the available evidence is currently insufficient to determine the role of this variant in disease. Therefore, it has been classified as a Variant of Uncertain Significance. This variant has not been reported in the literature in individuals with PEX10-related conditions. This variant is not present in population databases (ExAC no frequency). This sequence change replaces arginine with serine at codon 91 of the PEX10 protein (p.Arg91Ser). The arginine residue is moderately conserved and there is a moderate physicochemical difference between arginine and serine.